The following is an entry in ClinVar:

NM_033305.3(VPS13A):c.8619T>G (p.Ile2873Met)

Gene: VPS13A (vacuolar protein sorting 13 homolog A; plus strand). Cytogenetic location: 9q21.2.
Variant type: single nucleotide variant.
Coding change: c.8619T>G on transcript NM_033305.3 (MANE Select); coding-DNA position 8619, T replaced by G.
Protein change: p.Ile2873Met; replaces isoleucine 2873 with methionine.
Molecular consequence: missense variant.
Genome position (GRCh38, 1-based): chr9:77,369,364, T>G. VCF-style: chr9-77369364-T-G. GRCh37 (hg19) VCF-style: chr9-79984280-T-G.
Other names: c.8502T>G, p.Ile2834Met (NM_001018037.2); c.8619T>G, p.Ile2873Met (NM_001018038.3, NM_015186.4); short protein forms I2873M, I2834M.
Identifiers: ClinVar variation 1907443 (VCV001907443.5), dbSNP rs2538198276, ClinGen allele CA373866073.
Genomic context (GRCh38, chr9:77,369,364, plus strand): 5'-TAAGCAGATGTATGTACTCATTCTTGGACTTGATGTTTTGGGAAATCCATTTGGCTTAAT[T>G]AGAGAATTTTCTGAAGGTGTAGAAGCATTTTTTTATGAACCTTACCAGGTAAAATAGTTA-3'
Protein context (NP_150648.2, residues 2863-2883): LDVLGNPFGL[Ile2873Met]REFSEGVEAF

ClinVar aggregate classification (germline): Uncertain significance (1 of 4 stars; one submission).

Submission:

Labcorp Genetics (formerly Invitae), Labcorp
Classification: Uncertain significance. Last evaluated: 2022-01-02. Review status: criteria provided, single submitter. Criteria: Invitae Variant Classification Sherloc (09022015). Collection method: clinical testing. Allele origin: germline.
Comment: In summary, the available evidence is currently insufficient to determine the role of this variant in disease. Therefore, it has been classified as a Variant of Uncertain Significance. Algorithms developed to predict the effect of missense changes on protein structure and function are either unavailable or do not agree on the potential impact of this missense change (SIFT: "Deleterious"; PolyPhen-2: "Possibly Damaging"; Align-GVGD: "Class C0"). This variant has not been reported in the literature in individuals affected with VPS13A-related conditions. This variant is not present in population databases (gnomAD no frequency). This sequence change replaces isoleucine, which is neutral and non-polar, with methionine, which is neutral and non-polar, at codon 2873 of the VPS13A protein (p.Ile2873Met).